The following is an entry in ClinVar:

ClinVar aggregate classification (germline): Uncertain significance (1 of 4 stars; one submission).

gnomAD v4.1: 6 of 1,613,890 alleles (0.00037%); highest among the groups gnomAD compares: South Asian, 0.0022%; no homozygotes.

Submission:

Labcorp Genetics (formerly Invitae), Labcorp
Classification: Uncertain significance. Last evaluated: 2024-02-03. Review status: criteria provided, single submitter. Criteria: Invitae Variant Classification Sherloc (09022015). Collection method: clinical testing. Allele origin: germline.
Comment: This sequence change replaces arginine, which is basic and polar, with histidine, which is basic and polar, at codon 912 of the HK1 protein (p.Arg912His). This variant is present in population databases (rs750498514, gnomAD 0.006%). This variant has not been reported in the literature in individuals affected with HK1-related conditions. An algorithm developed to predict the effect of missense changes on protein structure and function (PolyPhen-2) suggests that this variant is likely to be tolerated. In summary, the available evidence is currently insufficient to determine the role of this variant in disease. Therefore, it has been classified as a Variant of Uncertain Significance.

NM_000188.3(HK1):c.2735G>A (p.Arg912His)

Gene: HK1 (hexokinase 1; plus strand). Cytogenetic location: 10q22.1.
Variant type: single nucleotide variant.
Coding change: c.2735G>A on transcript NM_000188.3 (MANE Select); coding-DNA position 2735, G replaced by A.
Protein change: p.Arg912His; replaces arginine 912 with histidine.
Molecular consequence: missense variant.
Genome position (GRCh38, 1-based): chr10:69,401,116, G>A. VCF-style: chr10-69401116-G-A. GRCh37 (hg19) VCF-style: chr10-71160872-G-A.
Other names: c.2747G>A, p.Arg916His (NM_001322364.2, NM_001358263.1, NM_033497.3 and 1 more transcripts); c.2840G>A, p.Arg947His (NM_001322365.2); c.2651G>A, p.Arg884His (NM_001322366.1); c.2639G>A, p.Arg880His (NM_001322367.1); c.2732G>A, p.Arg911His (NM_033496.3); c.2699G>A, p.Arg900His (NM_033500.2); short protein forms R880H, R884H, R900H, R911H, R916H, R947H, R912H.
Identifiers: ClinVar variation 3702101 (VCV003702101.2).